The following is an entry in ClinVar:

NM_198334.3(GANAB):c.2672G>A (p.Arg891Gln)

Gene: GANAB (glucosidase II alpha subunit; minus strand). Cytogenetic location: 11q12.3.
Variant type: single nucleotide variant.
Coding change: c.2672G>A on transcript NM_198334.3 (MANE Select); coding-DNA position 2672, G replaced by A.
Protein change: p.Arg891Gln; replaces arginine 891 with glutamine.
Molecular consequence: missense variant.
Genome position (GRCh38, 1-based): chr11:62,626,118, C>T on the plus strand (G>A on the coding strand, the complement: GANAB is on the minus strand). VCF-style: chr11-62626118-C-T. GRCh37 (hg19) VCF-style: chr11-62393590-C-T.
Other names: c.2396G>A, p.Arg799Gln (NM_001278192.2); c.2330G>A, p.Arg777Gln (NM_001278193.2); c.2381G>A, p.Arg794Gln (NM_001278194.2, NM_001329222.2, NM_001329223.2); c.1949G>A, p.Arg650Gln (NM_001329224.2, NM_001329225.2); c.2738G>A, p.Arg913Gln (NM_198335.4); short protein forms R794Q, R777Q, R891Q, R650Q, R799Q, R913Q.
Identifiers: ClinVar variation 2467969 (VCV002467969.5), dbSNP rs775692598, ClinGen allele CA6050369.

ClinVar aggregate classification (germline): Uncertain significance. Review status: criteria provided, multiple submitters, no conflicts (2 of 4 stars). 2 submissions from 2 submitters: Uncertain significance (2). Last evaluated 2023-07-29.

Conditions:
Inborn genetic diseases. Identifiers: MedGen C0950123, MeSH D030342.

Allele frequency attached by ClinVar (database versions not stated): TOPMed 0.00002; ExAC 0.00004; gnomAD exomes 0.00004; gnomAD 0.00007.
gnomAD v4.1: 79 of 1,613,918 alleles (0.0049%); highest among the groups gnomAD compares: South Asian, 0.016%; no homozygotes.

Submissions (2):

Labcorp Genetics (formerly Invitae), Labcorp
Classification: Uncertain significance. Last evaluated: 2023-07-29. Review status: criteria provided, single submitter. Criteria: Invitae Variant Classification Sherloc (09022015). Collection method: clinical testing. Allele origin: germline.
Comment: In summary, the available evidence is currently insufficient to determine the role of this variant in disease. Therefore, it has been classified as a Variant of Uncertain Significance. Advanced modeling of protein sequence and biophysical properties (such as structural, functional, and spatial information, amino acid conservation, physicochemical variation, residue mobility, and thermodynamic stability) performed at Invitae indicates that this missense variant is not expected to disrupt GANAB protein function. This sequence change replaces arginine, which is basic and polar, with glutamine, which is neutral and polar, at codon 913 of the GANAB protein (p.Arg913Gln). This variant is present in population databases (rs775692598, gnomAD 0.01%). This variant has not been reported in the literature in individuals affected with GANAB-related conditions. ClinVar contains an entry for this variant (Variation ID: 2467969).

Ambry Genetics
Classification: Uncertain significance for Inborn genetic diseases. Last evaluated: 2023-01-26. Review status: criteria provided, single submitter. Criteria: Ambry Variant Classification Scheme 2023. Collection method: clinical testing. Allele origin: germline.